The following is an entry in ClinVar:

NM_000069.3(CACNA1S):c.700G>A (p.Val234Met)

Gene: CACNA1S (calcium voltage-gated channel subunit alpha1 S; minus strand). Cytogenetic location: 1q32.1.
Variant type: single nucleotide variant.
Coding change: c.700G>A on transcript NM_000069.3 (MANE Select); coding-DNA position 700, G replaced by A.
Protein change: p.Val234Met; replaces valine 234 with methionine.
Molecular consequence: missense variant.
Genome position (GRCh38, 1-based): chr1:201,089,458, C>T on the plus strand (G>A on the coding strand, the complement: CACNA1S is on the minus strand). VCF-style: chr1-201089458-C-T. GRCh37 (hg19) VCF-style: chr1-201058586-C-T.
Other names: short protein forms V234M.
Identifiers: ClinVar variation 972045 (VCV000972045.14), dbSNP rs370661912, ClinGen allele CA083965.

ClinVar aggregate classification (germline): Conflicting classifications of pathogenicity. Review status: criteria provided, conflicting classifications (1 of 4 stars). 7 submissions from 7 submitters: Uncertain significance (6); Likely benign (1). Last evaluated 2025-09-28.

Conditions:
Malignant hyperthermia, susceptibility to, 5 (MHS5). Also called: CACNA1S-Related Malignant Hyperthermia Susceptibility. Identifiers: Orphanet 423, MedGen C1866077, MONDO:0011163, OMIM 601887.
Hypokalemic periodic paralysis, type 1. Also called: Hypokalemic Periodic Paralysis Type 1 (AD); HypoPP. Identifiers: Orphanet 681, MedGen C3714580, MONDO:0042979, OMIM 170400.
Thyrotoxic periodic paralysis, susceptibility to, 1 (TTPP1). Identifiers: Orphanet 79102, MedGen C2749982, MONDO:0008570, OMIM 188580.
Inborn genetic diseases. Identifiers: MedGen C0950123, MeSH D030342.

Allele frequency attached by ClinVar (database versions not stated): gnomAD exomes 0.00003 and 0.00004; ExAC 0.00005; TOPMed 0.00005; gnomAD 0.00007; ESP Exome Variant Server 0.00015; 1000 Genomes Project 30x 0.00016; 1000 Genomes Project 0.00020.
gnomAD v4.1: 52 of 1,613,804 alleles (0.0032%); highest among the groups gnomAD compares: Admixed American, 0.01%; no homozygotes.

Submissions (7):

Labcorp Genetics (formerly Invitae), Labcorp
Classification: Likely benign for Hypokalemic periodic paralysis, type 1; Malignant hyperthermia, susceptibility to, 5. Last evaluated: 2025-09-28. Review status: criteria provided, single submitter. Criteria: Invitae Variant Classification Sherloc (09022015). Collection method: clinical testing. Allele origin: germline.

Ambry Genetics
Classification: Uncertain significance for Inborn genetic diseases. Last evaluated: 2025-04-13. Review status: criteria provided, single submitter. Criteria: Ambry Variant Classification Scheme 2023. Collection method: clinical testing. Allele origin: germline.

GeneDx
Classification: Uncertain significance. Last evaluated: 2025-02-19. Review status: criteria provided, single submitter. Criteria: GeneDx Variant Classification Process June 2021. Collection method: clinical testing. Allele origin: germline. Affected: yes.
Comment: In silico analysis indicates that this missense variant does not alter protein structure/function; Has not been previously published as pathogenic or benign to our knowledge

Blueprint Genetics
Classification: Uncertain significance. Last evaluated: 2024-11-14. Review status: criteria provided, single submitter. Criteria: ACMG Guidelines, 2015. Collection method: clinical testing. Allele origin: germline.

All of Us Research Program, National Institutes of Health
Classification: Uncertain significance for Malignant hyperthermia, susceptibility to, 5. Last evaluated: 2024-09-23. Review status: criteria provided, single submitter. Criteria: ACMG Guidelines, 2015. Collection method: clinical testing. Allele origin: germline. Inheritance: Autosomal dominant inheritance. Observed: 17 variant alleles, 17 heterozygotes.
Comment: This missense variant replaces valine with methionine at codon 234 of the CACNA1S protein. Computational prediction suggests that this variant may not impact protein structure and function (internally defined REVEL score threshold <= 0.5, PMID: 27666373). To our knowledge, functional studies have not been reported for this variant. This variant has not been reported in individuals affected with CACNA1S-related disorders in the literature. This variant has been identified in 10/249856 chromosomes in the general population by the Genome Aggregation Database (gnomAD). The available evidence is insufficient to determine the role of this variant in disease conclusively. Therefore, this variant is classified as a Variant of Uncertain Significance.

This study involves interpretation of variants in research participants for the purpose of population health screening. Participant phenotype was not available at the time of variant classification. Additional details can be found in publication PMID: 35346344, PMCID: PMC8962531

Color Diagnostics, LLC DBA Color Health
Classification: Uncertain significance for Malignant hyperthermia, susceptibility to, 5. Last evaluated: 2023-11-15. Review status: criteria provided, single submitter. Criteria: ACMG Guidelines, 2015. Collection method: clinical testing. Allele origin: germline.
Comment: This missense variant replaces valine with methionine at codon 234 of the CACNA1S protein. Computational prediction suggests that this variant may not impact protein structure and function. To our knowledge, functional studies have not been reported for this variant. This variant has not been reported in individuals affected with CACNA1S-related disorders in the literature. This variant has been identified in 10/249856 chromosomes in the general population by the Genome Aggregation Database (gnomAD). The available evidence is insufficient to determine the role of this variant in disease conclusively. Therefore, this variant is classified as a Variant of Uncertain Significance.

Fulgent Genetics
Classification: Uncertain significance for Hypokalemic periodic paralysis, type 1; Thyrotoxic periodic paralysis, susceptibility to, 1; Malignant hyperthermia, susceptibility to, 5. Last evaluated: 2022-04-20. Review status: criteria provided, single submitter. Criteria: ACMG Guidelines, 2015. Collection method: clinical testing. Allele origin: unknown.